The following is an entry in ClinVar:

ClinVar aggregate classification (germline): Uncertain significance. Review status: criteria provided, multiple submitters, no conflicts (2 of 4 stars). 4 submissions from 4 submitters: Uncertain significance (4). Last evaluated 2023-11-25.

Allele frequency attached by ClinVar (database versions not stated): gnomAD exomes 0.00005; ExAC 0.00006; gnomAD 0.00007; TOPMed 0.00008.

Submissions (4):

Labcorp Genetics (formerly Invitae), Labcorp
Classification: Uncertain significance. Last evaluated: 2023-11-25. Review status: criteria provided, single submitter. Criteria: Invitae Variant Classification Sherloc (09022015). Collection method: clinical testing. Allele origin: germline.
Comment: This sequence change replaces glutamic acid, which is acidic and polar, with lysine, which is basic and polar, at codon 978 of the COL18A1 protein (p.Glu978Lys). This variant is present in population databases (rs774337224, gnomAD 0.03%). This variant has not been reported in the literature in individuals affected with COL18A1-related conditions. ClinVar contains an entry for this variant (Variation ID: 445666). Experimental studies and prediction algorithms are not available or were not evaluated, and the functional significance of this variant is currently unknown. In summary, the available evidence is currently insufficient to determine the role of this variant in disease. Therefore, it has been classified as a Variant of Uncertain Significance.

GeneDx
Classification: Uncertain significance. Last evaluated: 2023-01-13. Review status: criteria provided, single submitter. Criteria: GeneDx Variant Classification Process June 2021. Collection method: clinical testing. Allele origin: germline. Affected: yes.
Comment: In silico analysis supports that this missense variant has a deleterious effect on protein structure/function; Has not been previously published as pathogenic or benign to our knowledge

Center for Pediatric Genomic Medicine, Children's Mercy Hospital and Clinics
Classification: Uncertain significance. Last evaluated: 2017-06-02. Review status: criteria provided, single submitter. Criteria: ACMG Guidelines, 2015. Collection method: clinical testing. Allele origin: germline.

Breakthrough Genomics
Classification: Uncertain significance. Review status: criteria provided, single submitter. Criteria: ACMG Guidelines, 2015. Collection method: not provided. Allele origin: germline. Inheritance: Autosomal dominant inheritance. Affected: yes.

NM_001379500.1(COL18A1):c.2941G>A (p.Glu981Lys)

Genes: SLC19A1 (solute carrier family 19 member 1; minus strand), COL18A1 (collagen type XVIII alpha 1 chain; plus strand). Cytogenetic location: 21q22.3.
Variant type: single nucleotide variant.
Coding change: c.2941G>A on transcript NM_001379500.1 (MANE Select); coding-DNA position 2941, G replaced by A.
Protein change: p.Glu981Lys; replaces glutamic acid 981 with lysine.
Molecular consequence: missense variant.
Genome position (GRCh38, 1-based): chr21:45,505,206, G>A. VCF-style: chr21-45505206-G-A. GRCh37 (hg19) VCF-style: chr21-46925120-G-A.
Other names: NM_130445.2:c.2932G>A; c.3472G>A, p.Glu1158Lys (NM_030582.4); c.4177G>A, p.Glu1393Lys (NM_130444.3); short protein forms E1158K, E1393K, E981K.
Identifiers: ClinVar variation 445666 (VCV000445666.8), dbSNP rs774337224, ClinGen allele CA10067564.